The following is an entry in ClinVar:

NM_006231.4(POLE):c.4997C>T (p.Thr1666Ile)

Gene: POLE (DNA polymerase epsilon, catalytic subunit; minus strand). Cytogenetic location: 12q24.33.
Variant type: single nucleotide variant.
Coding change: c.4997C>T on transcript NM_006231.4 (MANE Select); coding-DNA position 4997, C replaced by T.
Protein change: p.Thr1666Ile; replaces threonine 1666 with isoleucine.
Molecular consequence: missense variant.
Genome position (GRCh38, 1-based): chr12:132,642,353, G>A on the plus strand (C>T on the coding strand, the complement: POLE is on the minus strand). VCF-style: chr12-132642353-G-A. GRCh37 (hg19) VCF-style: chr12-133218939-G-A.
Other names: c.4997C>T (NM_006231.2); short protein forms T1666I.
Identifiers: ClinVar variation 1036991 (VCV001036991.11), dbSNP rs2042165076, ClinGen allele CA387377461.
Genomic context (GRCh38, chr12:132,642,353, plus strand): 5'-AGCCAGAGCAGGTGGTTGTGGCGCTGGAGGTGGCGGGCAAAGAAGAGGTCGGAGCCGAAT[G>A]TGGAGATGTCCTCTGGTAGGTTCCCAATGGGAATGTGAAAGTACCTGCACCAGGGCACAG-3'
Protein context (NP_006222.2, residues 1656-1676): PIGNLPEDIS[Thr1666Ile]FGSDLFFARH

ClinVar aggregate classification (germline): Uncertain significance. Review status: criteria provided, multiple submitters, no conflicts (2 of 4 stars). 2 submissions from 2 submitters: Uncertain significance (2). Last evaluated 2025-08-31.

Conditions:
Hereditary cancer-predisposing syndrome. Also called: Neoplastic Syndromes, Hereditary; Hereditary Cancer Syndrome; Tumor predisposition; Hereditary neoplastic syndrome. Identifiers: Orphanet 140162, MedGen C0027672, MeSH D009386, MONDO:0015356.

Submissions (2):

Labcorp Genetics (formerly Invitae), Labcorp
Classification: Uncertain significance. Last evaluated: 2025-08-31. Review status: criteria provided, single submitter. Criteria: Invitae Variant Classification Sherloc (09022015). Collection method: clinical testing. Allele origin: germline.
Comment: This sequence change replaces threonine, which is neutral and polar, with isoleucine, which is neutral and non-polar, at codon 1666 of the POLE protein (p.Thr1666Ile). This variant is not present in population databases (gnomAD no frequency). This variant has not been reported in the literature in individuals affected with POLE-related conditions. ClinVar contains an entry for this variant (Variation ID: 1036991). Invitae Evidence Modeling of protein sequence and biophysical properties (such as structural, functional, and spatial information, amino acid conservation, physicochemical variation, residue mobility, and thermodynamic stability) indicates that this missense variant is not expected to disrupt POLE protein function with a negative predictive value of 80%. In summary, the available evidence is currently insufficient to determine the role of this variant in disease. Therefore, it has been classified as a Variant of Uncertain Significance.

Ambry Genetics
Classification: Uncertain significance for Hereditary cancer-predisposing syndrome. Last evaluated: 2025-08-07. Review status: criteria provided, single submitter. Criteria: Ambry Variant Classification Scheme 2023. Collection method: clinical testing. Allele origin: germline.
Comment: The p.T1666I variant (also known as c.4997C>T), located in coding exon 38 of the POLE gene, results from a C to T substitution at nucleotide position 4997. The threonine at codon 1666 is replaced by isoleucine, an amino acid with similar properties. This amino acid position is conserved. In addition, this alteration is predicted to be tolerated by in silico analysis. Since supporting evidence is limited at this time, the clinical significance of this alteration remains unclear.